The following is an entry in ClinVar:

ClinVar aggregate classification (germline): Likely benign. Review status: criteria provided, multiple submitters, no conflicts (2 of 4 stars). 7 submissions from 7 submitters: Likely benign (6). 1 of the submissions does not count toward it. Last evaluated 2025-08-17.

Conditions:
Aneurysm-osteoarthritis syndrome. Also called: SMAD3-Related Loeys-Dietz Syndrome; ANEURYSMS-OSTEOARTHRITIS SYNDROME; Loeys-Dietz syndrome, type 1C; LOEYS-DIETZ SYNDROME WITH OSTEOARTHRITIS. Identifiers: Orphanet 284984, MedGen C3151087, MONDO:0013426, OMIM 613795.
SMAD3-related disorder. Also called: SMAD3-related condition.
Familial thoracic aortic aneurysm and aortic dissection (TAAD). Also called: Thoracic aortic aneurysms and dissections. Identifiers: Orphanet 91387, MedGen C4707243, MONDO:0019625.

Allele frequency attached by ClinVar (database versions not stated): ExAC 0.00002; gnomAD exomes 0.00003 and 0.00005; gnomAD 0.00004 and 0.00005; TOPMed 0.00006.
gnomAD v4.1: 83 of 1,614,060 alleles (0.0051%); highest among the groups gnomAD compares: African/African-American, 0.0067%; no homozygotes.

Submissions (7):

Labcorp Genetics (formerly Invitae), Labcorp
Classification: Likely benign for Familial thoracic aortic aneurysm and aortic dissection. Last evaluated: 2025-08-17. Review status: criteria provided, single submitter. Criteria: Invitae Variant Classification Sherloc (09022015). Collection method: clinical testing. Allele origin: germline.

All of Us Research Program, National Institutes of Health
Classification: Likely benign for Aneurysm-osteoarthritis syndrome. Last evaluated: 2023-10-27. Review status: criteria provided, single submitter. Criteria: ACMG Guidelines, 2015. Collection method: clinical testing. Allele origin: germline. Inheritance: Autosomal dominant inheritance. Observed: 5 variant alleles, 5 heterozygotes.
Comment: This study involves interpretation of variants in research participants for the purpose of population health screening. Participant phenotype was not available at the time of variant classification. Additional details can be found in publication PMID: 35346344, PMCID: PMC8962531

Blueprint Genetics
Classification: Likely benign. Last evaluated: 2022-10-05. Review status: criteria provided, single submitter. Criteria: ACMG Guidelines, 2015. Collection method: clinical testing. Allele origin: germline.

Ambry Genetics
Classification: Likely benign for Familial thoracic aortic aneurysm and aortic dissection. Last evaluated: 2019-10-20. Review status: criteria provided, single submitter. Criteria: Ambry Variant Classification Scheme 2023. Collection method: clinical testing. Allele origin: germline.

Color Diagnostics, LLC DBA Color Health
Classification: Likely benign for Familial thoracic aortic aneurysm and aortic dissection. Last evaluated: 2018-12-16. Review status: criteria provided, single submitter. Criteria: ACMG Guidelines, 2015. Collection method: clinical testing. Allele origin: germline.

GeneDx
Classification: Likely benign. Last evaluated: 2018-05-25. Review status: criteria provided, single submitter. Criteria: GeneDx Variant Classification (06012015). Collection method: clinical testing. Allele origin: germline. Affected: yes.
Comment: This variant is considered likely benign or benign based on one or more of the following criteria: it is a conservative change, it occurs at a poorly conserved position in the protein, it is predicted to be benign by multiple in silico algorithms, and/or has population frequency not consistent with disease.

PreventionGenetics, part of Exact Sciences
Classification: Likely benign for SMAD3-related condition. Last evaluated: 2019-06-19. Review status: no assertion criteria provided. Collection method: clinical testing. Allele origin: germline. Not counted in ClinVar's aggregate classification.
Comment: This variant is classified as likely benign based on ACMG/AMP sequence variant interpretation guidelines (Richards et al. 2015 PMID: 25741868, with internal and published modifications).

NM_005902.4(SMAD3):c.1044C>T (p.Phe348=)

Gene: SMAD3 (SMAD family member 3; plus strand). Cytogenetic location: 15q22.33.
Variant type: single nucleotide variant.
Coding change: c.1044C>T on transcript NM_005902.4 (MANE Select); coding-DNA position 1044, C replaced by T.
Protein change: p.Phe348=; no amino-acid change (phenylalanine 348 retained).
Molecular consequence: synonymous variant.
Genome position (GRCh38, 1-based): chr15:67,187,399, C>T. VCF-style: chr15-67187399-C-T. GRCh37 (hg19) VCF-style: chr15-67479737-C-T.
Other names: c.729C>T, p.Phe243= (NM_001145102.2); c.912C>T, p.Phe304= (NM_001145103.2); c.459C>T, p.Phe153= (NM_001145104.2).
Identifiers: ClinVar variation 669533 (VCV000669533.19), dbSNP rs751780616, ClinGen allele CA061569.